The following is an entry in ClinVar:

NM_005902.4(SMAD3):c.170C>A (p.Thr57Lys)

Gene: SMAD3 (SMAD family member 3; plus strand). Cytogenetic location: 15q22.33.
Variant type: single nucleotide variant.
Coding change: c.170C>A on transcript NM_005902.4 (MANE Select); coding-DNA position 170, C replaced by A.
Protein change: p.Thr57Lys; replaces threonine 57 with lysine.
Molecular consequence: missense variant.
Genome position (GRCh38, 1-based): chr15:67,066,324, C>A. VCF-style: chr15-67066324-C-A. GRCh37 (hg19) VCF-style: chr15-67358662-C-A.
Other names: short protein forms T57K.
Identifiers: ClinVar variation 925884 (VCV000925884.12), dbSNP rs1959915488, ClinGen allele CA393203046.

ClinVar aggregate classification (germline): Uncertain significance. Review status: criteria provided, multiple submitters, no conflicts (2 of 4 stars). 3 submissions from 3 submitters: Uncertain significance (3). Last evaluated 2024-06-09.

Conditions:
Familial thoracic aortic aneurysm and aortic dissection (TAAD). Also called: Thoracic aortic aneurysms and dissections. Identifiers: Orphanet 91387, MedGen C4707243, MONDO:0019625.
Aneurysm-osteoarthritis syndrome. Also called: Loeys-Dietz syndrome, type 1C; LOEYS-DIETZ SYNDROME WITH OSTEOARTHRITIS; SMAD3-Related Loeys-Dietz Syndrome; ANEURYSMS-OSTEOARTHRITIS SYNDROME. Identifiers: Orphanet 284984, MedGen C3151087, MONDO:0013426, OMIM 613795.

Submissions (3):

All of Us Research Program, National Institutes of Health
Classification: Uncertain significance for Aneurysm-osteoarthritis syndrome. Last evaluated: 2024-06-09. Review status: criteria provided, single submitter. Criteria: ACMG Guidelines, 2015. Collection method: clinical testing. Allele origin: germline. Inheritance: Autosomal dominant inheritance. Observed: 2 variant alleles, 2 heterozygotes.
Comment: This missense variant replaces threonine with lysine at codon 57 of the SMAD3 protein. Computational prediction is inconclusive regarding the impact of this variant on protein structure and function (internally defined REVEL score threshold 0.5 < inconclusive < 0.7, PMID: 27666373). To our knowledge, functional studies have not been reported for this variant. This variant has not been reported in individuals affected with cardiovascular disorders in the literature. This variant has not been identified in the general population by the Genome Aggregation Database (gnomAD). The available evidence is insufficient to determine the role of this variant in disease conclusively. Therefore, this variant is classified as a Variant of Uncertain Significance.

This study involves interpretation of variants in research participants for the purpose of population health screening. Participant phenotype was not available at the time of variant classification. Additional details can be found in publication PMID: 35346344, PMCID: PMC8962531

Color Diagnostics, LLC DBA Color Health
Classification: Uncertain significance for Familial thoracic aortic aneurysm and aortic dissection. Last evaluated: 2024-03-07. Review status: criteria provided, single submitter. Criteria: ACMG Guidelines, 2015. Collection method: clinical testing. Allele origin: germline.
Comment: This missense variant replaces threonine with lysine at codon 57 of the SMAD3 protein. Computational prediction is inconclusive regarding the impact of this variant on protein structure and function (internally defined REVEL score threshold 0.5 < inconclusive < 0.7, PMID: 27666373). To our knowledge, functional studies have not been reported for this variant. This variant has not been reported in individuals affected with cardiovascular disorders in the literature. This variant has not been identified in the general population by the Genome Aggregation Database (gnomAD). The available evidence is insufficient to determine the role of this variant in disease conclusively. Therefore, this variant is classified as a Variant of Uncertain Significance.

Labcorp Genetics (formerly Invitae), Labcorp
Classification: Uncertain significance for Familial thoracic aortic aneurysm and aortic dissection. Last evaluated: 2021-11-13. Review status: criteria provided, single submitter. Criteria: Invitae Variant Classification Sherloc (09022015). Collection method: clinical testing. Allele origin: germline.
Comment: Advanced modeling of protein sequence and biophysical properties (such as structural, functional, and spatial information, amino acid conservation, physicochemical variation, residue mobility, and thermodynamic stability) performed at Invitae indicates that this missense variant is not expected to disrupt SMAD3 protein function. ClinVar contains an entry for this variant (Variation ID: 925884). This variant has not been reported in the literature in individuals affected with SMAD3-related conditions. This variant is not present in population databases (gnomAD no frequency). This sequence change replaces threonine, which is neutral and polar, with lysine, which is basic and polar, at codon 57 of the SMAD3 protein (p.Thr57Lys). In summary, the available evidence is currently insufficient to determine the role of this variant in disease. Therefore, it has been classified as a Variant of Uncertain Significance.